The following is an entry in ClinVar:

ClinVar aggregate classification (germline): Uncertain significance (1 of 4 stars; one submission).

Conditions:
Peroxisome biogenesis disorder 7A (Zellweger). Also called: Peroxisome biogenesis disorder 7A. Identifiers: Orphanet 912, MedGen C3888385, MONDO:0013938, OMIM 614872.
Peroxisome biogenesis disorder 7B (PBD7B). Identifiers: Orphanet 44, MedGen C3553951, MONDO:0013939, OMIM 614873.

Allele frequency attached by ClinVar (database versions not stated): gnomAD 0.00001; TOPMed 0.00001.
gnomAD v4.1: 1 of 1,613,098 alleles (0.000062%); highest among the groups gnomAD compares: African/African-American, 0.0013%; no homozygotes.

Submission:

Labcorp Genetics (formerly Invitae), Labcorp
Classification: Uncertain significance for Peroxisome biogenesis disorder 7A (Zellweger); Peroxisome biogenesis disorder 7B. Last evaluated: 2022-06-26. Review status: criteria provided, single submitter. Criteria: Invitae Variant Classification Sherloc (09022015). Collection method: clinical testing. Allele origin: germline.
Comment: In summary, the available evidence is currently insufficient to determine the role of this variant in disease. Therefore, it has been classified as a Variant of Uncertain Significance. Algorithms developed to predict the effect of missense changes on protein structure and function are either unavailable or do not agree on the potential impact of this missense change (SIFT: "Deleterious"; PolyPhen-2: "Probably Damaging"; Align-GVGD: "Class C0"). This variant has not been reported in the literature in individuals affected with PEX26-related conditions. This variant is present in population databases (no rsID available, gnomAD 0.01%). This sequence change replaces serine, which is neutral and polar, with tyrosine, which is neutral and polar, at codon 296 of the PEX26 protein (p.Ser296Tyr).

NM_001127649.3(PEX26):c.887C>A (p.Ser296Tyr)

Gene: PEX26 (peroxisomal biogenesis factor 26; plus strand). Cytogenetic location: 22q11.21.
Variant type: single nucleotide variant.
Coding change: c.887C>A on transcript NM_001127649.3 (MANE Select); coding-DNA position 887, C replaced by A.
Protein change: p.Ser296Tyr; replaces serine 296 with tyrosine.
Molecular consequence: missense variant.
Genome position (GRCh38, 1-based): chr22:18,088,044, C>A. VCF-style: chr22-18088044-C-A. GRCh37 (hg19) VCF-style: chr22-18570810-C-A.
Other names: c.740C>A, p.Ser247Tyr (NM_001199319.2); c.887C>A, p.Ser296Tyr (NM_017929.6); short protein forms S247Y, S296Y.
Identifiers: ClinVar variation 1991338 (VCV001991338.4), dbSNP rs1389736078, ClinGen allele CA410269732.